The following is an entry in ClinVar:

NM_006231.4(POLE):c.1447A>G (p.Thr483Ala)

Gene: POLE (DNA polymerase epsilon, catalytic subunit; minus strand). Cytogenetic location: 12q24.33.
Variant type: single nucleotide variant.
Coding change: c.1447A>G on transcript NM_006231.4 (MANE Select); coding-DNA position 1447, A replaced by G.
Protein change: p.Thr483Ala; replaces threonine 483 with alanine.
Molecular consequence: missense variant.
Genome position (GRCh38, 1-based): chr12:132,673,190, T>C on the plus strand (A>G on the coding strand, the complement: POLE is on the minus strand). VCF-style: chr12-132673190-T-C. GRCh37 (hg19) VCF-style: chr12-133249776-T-C.
Other names: short protein forms T483A.
Identifiers: ClinVar variation 473457 (VCV000473457.21), dbSNP rs777736640, ClinGen allele CA6893960.

ClinVar aggregate classification (germline): Uncertain significance. Review status: criteria provided, multiple submitters, no conflicts (2 of 4 stars). 5 submissions from 5 submitters: Uncertain significance (5). Last evaluated 2026-01-02.

Conditions:
Hereditary cancer-predisposing syndrome. Also called: Neoplastic Syndromes, Hereditary; Tumor predisposition; Hereditary Cancer Syndrome; Hereditary neoplastic syndrome. Identifiers: Orphanet 140162, MedGen C0027672, MeSH D009386, MONDO:0015356.
Colorectal cancer, susceptibility to, 12 (CRCS12). Also called: COLORECTAL CANCER, SUSCEPTIBILITY TO, ON CHROMOSOME 12q24. Identifiers: Orphanet 220460, MedGen C3554460, MONDO:0014038, OMIM 615083.

Allele frequency attached by ClinVar (database versions not stated): TOPMed below 0.00001; ExAC 0.00001; gnomAD exomes 0.00001.
gnomAD v4.1: 24 of 1,610,998 alleles (0.0015%); highest among the groups gnomAD compares: Non-Finnish European, 0.0017%; no homozygotes.

Submissions (5):

Labcorp Genetics (formerly Invitae), Labcorp
Classification: Uncertain significance. Last evaluated: 2026-01-02. Review status: criteria provided, single submitter. Criteria: Invitae Variant Classification Sherloc (09022015). Collection method: clinical testing. Allele origin: germline.
Comment: This sequence change replaces threonine, which is neutral and polar, with alanine, which is neutral and non-polar, at codon 483 of the POLE protein (p.Thr483Ala). This variant is present in population databases (rs777736640, gnomAD 0.003%). This variant has not been reported in the literature in individuals affected with POLE-related conditions. ClinVar contains an entry for this variant (Variation ID: 473457). Invitae Evidence Modeling of protein sequence and biophysical properties (such as structural, functional, and spatial information, amino acid conservation, physicochemical variation, residue mobility, and thermodynamic stability) indicates that this missense variant is expected to disrupt POLE protein function with a positive predictive value of 80%. In summary, the available evidence is currently insufficient to determine the role of this variant in disease. Therefore, it has been classified as a Variant of Uncertain Significance.

Ambry Genetics
Classification: Uncertain significance for Hereditary cancer-predisposing syndrome. Last evaluated: 2025-12-01. Review status: criteria provided, single submitter. Criteria: Ambry Variant Classification Scheme 2023. Collection method: clinical testing. Allele origin: germline.
Comment: The p.T483A variant (also known as c.1447A>G), located in coding exon 14 of the POLE gene, results from an A to G substitution at nucleotide position 1447. The threonine at codon 483 is replaced by alanine, an amino acid with similar properties. This amino acid position is highly conserved in available vertebrate species. In addition, the in silico prediction for this alteration is inconclusive. Based on the available evidence, the clinical significance of this variant remains unclear.

Baylor Genetics
Classification: Uncertain significance for Colorectal cancer, susceptibility to, 12. Last evaluated: 2023-09-26. Review status: criteria provided, single submitter. Criteria: ACMG Guidelines, 2015. Collection method: clinical testing. Allele origin: unknown.

GeneDx
Classification: Uncertain significance. Last evaluated: 2023-05-17. Review status: criteria provided, single submitter. Criteria: GeneDx Variant Classification Process June 2021. Collection method: clinical testing. Allele origin: germline. Affected: yes.
Comment: Not observed at significant frequency in large population cohorts (gnomAD); In silico analysis supports that this missense variant has a deleterious effect on protein structure/function; Has not been previously published as pathogenic or benign to our knowledge

Quest Diagnostics Nichols Institute San Juan Capistrano
Classification: Uncertain significance. Last evaluated: 2019-07-03. Review status: criteria provided, single submitter. Criteria: Quest Diagnostics criteria. Collection method: clinical testing. Allele origin: germline.